The following is an entry in ClinVar:

NM_033343.4(LHX4):c.884C>T (p.Thr295Ile)

Genes: ACBD6 (acyl-CoA binding domain containing 6; minus strand), LHX4 (LIM homeobox 4; plus strand), LHX4-AS1 (LHX4 antisense RNA 1; minus strand). Cytogenetic location: 1q25.2.
Variant type: single nucleotide variant.
Coding change: c.884C>T on transcript NM_033343.4 (MANE Select); coding-DNA position 884, C replaced by T.
Protein change: p.Thr295Ile; replaces threonine 295 with isoleucine.
Molecular consequence: missense variant.
Genome position (GRCh38, 1-based): chr1:180,274,290, C>T. VCF-style: chr1-180274290-C-T. GRCh37 (hg19) VCF-style: chr1-180243425-C-T.
Other names: short protein forms T295I.
Identifiers: ClinVar variation 4623647 (VCV004623647.5).

ClinVar aggregate classification (germline): Uncertain significance. Review status: criteria provided, multiple submitters, no conflicts (2 of 4 stars). 2 submissions from 2 submitters: Uncertain significance (2). Last evaluated 2026-02-01.

Conditions:
Inborn genetic diseases. Identifiers: MedGen C0950123, MeSH D030342.

gnomAD v4.1: 23 of 1,614,094 alleles (0.0014%); highest among the groups gnomAD compares: Non-Finnish European, 0.0019%; no homozygotes.

Submissions (2):

CeGaT Center for Human Genetics Tuebingen
Classification: Uncertain significance. Last evaluated: 2026-02-01. Review status: criteria provided, single submitter. Criteria: CeGaT Center For Human Genetics Tuebingen Variant Classification Criteria Version 2. Collection method: clinical testing. Allele origin: germline. Affected: yes. Observed: 1 variant allele.

Ambry Genetics
Classification: Uncertain significance for Inborn genetic diseases. Last evaluated: 2025-10-01. Review status: criteria provided, single submitter. Criteria: Ambry Variant Classification Scheme 2023. Collection method: clinical testing. Allele origin: germline.
Comment: The c.884C>T (p.T295I) alteration is located in exon 6 (coding exon 6) of the LHX4 gene. This alteration results from a C to T substitution at nucleotide position 884, causing the threonine (T) at amino acid position 295 to be replaced by an isoleucine (I). Based on data from gnomAD, the T allele has an overall frequency of 0.001% (4/282754) total alleles studied. The highest observed frequency was 0.003% (4/129096) of European (non-Finnish) alleles. Based on insufficient or conflicting evidence, the clinical significance of this alteration remains unclear.